The following is an entry in ClinVar:

NM_017763.6(RNF43):c.952+5G>C

Gene: RNF43 (ring finger protein 43; minus strand). Cytogenetic location: 17q22.
Variant type: single nucleotide variant.
Coding change: c.952+5G>C on transcript NM_017763.6 (MANE Select); 5 bases into the intron after coding-DNA position 952, G replaced by C.
Molecular consequence: intron variant.
Genome position (GRCh38, 1-based): chr17:58,360,144, C>G on the plus strand (G>C on the coding strand, the complement: RNF43 is on the minus strand). VCF-style: chr17-58360144-C-G. GRCh37 (hg19) VCF-style: chr17-56437505-C-G.
Other names: c.952+5G>C (NM_001438822.1, NM_001305544.3, NM_001438820.1 and 2 more transcripts); c.571+5G>C (NM_001305545.2, NM_001437987.1).
Identifiers: ClinVar variation 2582741 (VCV002582741.2), dbSNP rs2509354791, ClinGen allele CA2576334014.

ClinVar aggregate classification (germline): Uncertain significance. Review status: criteria provided, single submitter (1 of 4 stars). 2 submissions from 2 submitters: Uncertain significance (1). 1 of the submissions does not count toward it. Last evaluated 2026-08-11.

Conditions:
Sessile serrated polyposis cancer syndrome (SSPCS). Identifiers: Orphanet 157798, MedGen C4310714, MONDO:0014919, OMIM 617108.

Submissions (2):

Ambry Genetics
Classification: Uncertain significance. Last evaluated: 2026-08-11. Review status: criteria provided, single submitter. Criteria: Ambry Variant Classification Scheme 2023. Collection method: clinical testing. Allele origin: germline.
Comment: The c.952+5G>C intronic variant results from a G to C substitution 5 nucleotides after coding exon 7 in the RNF43 gene. This nucleotide position is highly conserved in available vertebrate species. In silico splice site analysis predicts that this alteration will result in the creation or strengthening of a novel splice donor site. The evidence for this gene-disease relationship is limited; therefore, the clinical significance of this variant is unclear.

Zotz-Klimas Genetics Lab, MVZ Zotz Klimas
Classification: Uncertain significance for Sessile serrated polyposis cancer syndrome. Last evaluated: 2023-10-09. Review status: no assertion criteria provided. Collection method: clinical testing. Allele origin: germline. Affected: yes. Not counted in ClinVar's aggregate classification.